The following is an entry in ClinVar:

ClinVar aggregate classification (germline): Uncertain significance (1 of 4 stars; one submission).

Submission:

Ambry Genetics
Classification: Uncertain significance. Last evaluated: 2025-07-19. Review status: criteria provided, single submitter. Criteria: Ambry Variant Classification Scheme 2023. Collection method: clinical testing. Allele origin: germline.
Comment: The p.A1326T variant (also known as c.3976G>A), located in coding exon 18 of the WNK2 gene, results from a G to A substitution at nucleotide position 3976. The alanine at codon 1326 is replaced by threonine, an amino acid with similar properties. This amino acid position is conserved. In addition, this alteration is predicted to be tolerated by in silico analysis. Based on the available evidence, the clinical significance of this variant remains unclear.

NM_006648.4(WNK2):c.3976G>A (p.Ala1326Thr)

Gene: WNK2 (WNK lysine deficient protein kinase 2; plus strand). Cytogenetic location: 9q22.31.
Variant type: single nucleotide variant.
Coding change: c.3976G>A on transcript NM_006648.4 (MANE Select); coding-DNA position 3976, G replaced by A.
Protein change: p.Ala1326Thr; replaces alanine 1326 with threonine.
Molecular consequence: missense variant.
Genome position (GRCh38, 1-based): chr9:93,268,689, G>A. VCF-style: chr9-93268689-G-A. GRCh37 (hg19) VCF-style: chr9-96030971-G-A.
Other names: c.3976G>A, p.Ala1326Thr (NM_001282394.3); short protein forms A1326T.
Identifiers: ClinVar variation 4201643 (VCV004201643.1).
Genomic context (GRCh38, chr9:93,268,689, plus strand): 5'-CTGCACACCGGGAAGAGGTGGTTCATCATCTGTCCGGTGGCTGAGCACCCCGCCCCCGAG[G>A]CCCCTGAATCTTCGCCCCCACTTCCTCTAAGCTCCCTGCCGCCAGAAGCCAGCCAAGGTA-3'
Protein context (NP_006639.3, residues 1316-1336): CPVAEHPAPE[Ala1326Thr]PESSPPLPLS